The following is an entry in ClinVar:

NM_138420.4(AHNAK2):c.6138G>A (p.Lys2046=)

Gene: AHNAK2 (AHNAK nucleoprotein 2; minus strand). Cytogenetic location: 14q32.33.
Variant type: single nucleotide variant.
Coding change: c.6138G>A on transcript NM_138420.4 (MANE Select); coding-DNA position 6138, G replaced by A.
Protein change: p.Lys2046=; no amino-acid change (lysine 2046 retained).
Molecular consequence: synonymous variant.
Genome position (GRCh38, 1-based): chr14:104,949,313, C>T on the plus strand (G>A on the coding strand, the complement: AHNAK2 is on the minus strand). VCF-style: chr14-104949313-C-T. GRCh37 (hg19) VCF-style: chr14-105415650-C-T.
Other names: c.5838G>A, p.Lys1946= (NM_001350929.2).
Identifiers: ClinVar variation 2644752 (VCV002644752.24), dbSNP rs2542559679, ClinGen allele CA488726852.

ClinVar aggregate classification (germline): Likely benign (1 of 4 stars; one submission).

Submission:

CeGaT Center for Human Genetics Tuebingen
Classification: Likely benign. Last evaluated: 2022-10-01. Review status: criteria provided, single submitter. Criteria: CeGaT Center For Human Genetics Tuebingen Variant Classification Criteria Version 2. Collection method: clinical testing. Allele origin: germline. Affected: yes. Observed: 1 variant allele.
Comment: AHNAK2: PM2:Supporting, BP4, BP7